The following is an entry in ClinVar:

NM_016604.4(KDM3B):c.785del

Gene: KDM3B (lysine demethylase 3B; plus strand). Cytogenetic location: 5q31.2.
Variant type: Deletion.
Coding change: c.785del on transcript NM_016604.4 (MANE Select); coding-DNA position 785, one base deleted (G; older notation c.785delG).
Molecular consequence: splice acceptor variant.
Genome position (GRCh38, 1-based): chr5:138,386,026, G deleted; the last of 6 consecutive G bases (chr5:138,386,021-138,386,026); deleting any one gives the same sequence. VCF-style (leftmost placement, unchanged base first): chr5-138386020-AG-A. GRCh37 (hg19) VCF-style: chr5-137721709-AG-A.
Other names: NC_000005.9:g.137721715del.
Identifiers: ClinVar variation 4288992 (VCV004288992.2).
Genomic context (GRCh38, chr5:138,386,020, plus strand): 5'-TGGTGTGTGGTATTCACAGGATGAAAGTTTCCTTGTAATCTTTTTTGAATTTTGTTTTGT[AG>A]GGGGGTACGTTAAAAGCAGTAAAATCTTCCAAAGGAAAGAAGAAGAGAGAAAGCATAGAG-3'

ClinVar aggregate classification (germline): Likely pathogenic (1 of 4 stars; one submission).

Conditions:
Diets-Jongmans syndrome. Also called: INTELLECTUAL DEVELOPMENTAL DISORDER WITH DISTINCTIVE FACIAL DYSMORPHISM. Identifiers: MedGen C5394263, MONDO:0030012, OMIM 618846.

Submissions (3):

3billion
Classification: Likely pathogenic for Diets-Jongmans syndrome. Last evaluated: 2025-08-04. Review status: criteria provided, single submitter. Criteria: ACMG Guidelines, 2015. Collection method: clinical testing. Allele origin: germline. Affected: yes.
Comment: The variant is not observed in the gnomAD v4.1.0 dataset. Predicted Consequence/Location: Canonical splice site: predicted to alter splicing and result in a loss or disruption of normal protein function. Multiple pathogenic loss-of-function variants are reported downstream of the variant. In silico tools predict the variant to alter splicing and produce an abnormal transcript [SpliceAI: 0.96 (spliceogenicity >=0.2, non-spliceogenicity <0.1)]. Therefore, this variant is classified as Likely pathogenic according to the recommendation of ACMG/AMP guideline.

Dr. Peter K. Rogan Lab, Western University
No classification provided (evidence only). Condition: Hepatocellular carcinoma. Review status: no classification provided. Collection method: in vitro. Allele origin: not applicable. Functional consequence: retained intron. Not counted in ClinVar's aggregate classification.

Dr. Peter K. Rogan Lab, Western University
No classification provided (evidence only). Condition: Hepatocellular carcinoma. Review status: no classification provided. Collection method: in vitro. Allele origin: not applicable. Functional consequence: retained intron. Not counted in ClinVar's aggregate classification.